The following is an entry in ClinVar:

ClinVar aggregate classification (germline): Uncertain significance (1 of 4 stars; one submission).

Conditions:
Cardiovascular phenotype. Identifiers: MedGen CN230736.

Allele frequency attached by ClinVar (database versions not stated): gnomAD 0.00001; TOPMed 0.00001.

Submission:

Ambry Genetics
Classification: Uncertain significance for Cardiovascular phenotype. Last evaluated: 2018-11-26. Review status: criteria provided, single submitter. Criteria: Ambry Variant Classification Scheme 2023. Collection method: clinical testing. Allele origin: germline.
Comment: The p.P5882Q variant (also known as c.17645C>A), located in coding exon 70 of the TTN gene, results from a C to A substitution at nucleotide position 17645. The proline at codon 5882 is replaced by glutamine, an amino acid with similar properties. This amino acid position is highly conserved in available vertebrate species. In addition, the in silico prediction for this alteration is inconclusive. Since supporting evidence is limited at this time, the clinical significance of this alteration remains unclear.

NM_001267550.2(TTN):c.44840C>A (p.Pro14947Gln)

Gene: TTN (titin; minus strand). Cytogenetic location: 2q31.2.
Variant type: single nucleotide variant.
Coding change: c.44840C>A on transcript NM_001267550.2 (MANE Select); coding-DNA position 44840, C replaced by A.
Protein change: p.Pro14947Gln; replaces proline 14947 with glutamine.
Molecular consequence: missense variant.
Genome position (GRCh38, 1-based): chr2:178,622,743, G>T on the plus strand (C>A on the coding strand, the complement: TTN is on the minus strand). VCF-style: chr2-178622743-G-T. GRCh37 (hg19) VCF-style: chr2-179487470-G-T.
Other names: c.39917C>A, p.Pro13306Gln (NM_001256850.1); c.17645C>A, p.Pro5882Gln (NM_003319.4); c.37136C>A, p.Pro12379Gln (NM_133378.4); c.18020C>A, p.Pro6007Gln (NM_133432.3); c.18221C>A, p.Pro6074Gln (NM_133437.4); short protein forms P6074Q, P6007Q, P5882Q, P12379Q, P13306Q, P14947Q.
Identifiers: ClinVar variation 1779633 (VCV001779633.2), dbSNP rs1030725519, ClinGen allele CA60995833.